The following is an entry in ClinVar:

NM_007186.6(CEP250):c.5920C>T (p.His1974Tyr)

Gene: CEP250 (centrosomal protein 250; plus strand). Cytogenetic location: 20q11.22.
Variant type: single nucleotide variant.
Coding change: c.5920C>T on transcript NM_007186.6 (MANE Select); coding-DNA position 5920, C replaced by T.
Protein change: p.His1974Tyr; replaces histidine 1974 with tyrosine.
Molecular consequence: missense variant.
Genome position (GRCh38, 1-based): chr20:35,504,289, C>T. VCF-style: chr20-35504289-C-T. GRCh37 (hg19) VCF-style: chr20-34092117-C-T.
Other names: c.4024C>T, p.His1342Tyr (NM_001318219.1); c.5920C>T (NM_007186.3); short protein forms H1342Y, H1974Y.
Identifiers: ClinVar variation 1017381 (VCV001017381.9), dbSNP rs762704919, ClinGen allele CA314161324.

ClinVar aggregate classification (germline): Uncertain significance. Review status: criteria provided, multiple submitters, no conflicts (2 of 4 stars). 2 submissions from 2 submitters: Uncertain significance (2). Last evaluated 2023-06-02.

Allele frequency attached by ClinVar (database versions not stated): gnomAD exomes below 0.00001; gnomAD 0.00002; TOPMed 0.00002.
gnomAD v4.1: 9 of 1,588,350 alleles (0.00057%); highest among the groups gnomAD compares: African/African-American, 0.0027%; no homozygotes.

Submissions (2):

Ambry Genetics
Classification: Uncertain significance. Last evaluated: 2023-06-02. Review status: criteria provided, single submitter. Criteria: Ambry Variant Classification Scheme 2023. Collection method: clinical testing. Allele origin: germline.

Labcorp Genetics (formerly Invitae), Labcorp
Classification: Uncertain significance. Last evaluated: 2022-06-24. Review status: criteria provided, single submitter. Criteria: Invitae Variant Classification Sherloc (09022015). Collection method: clinical testing. Allele origin: germline.
Comment: ClinVar contains an entry for this variant (Variation ID: 1017381). This sequence change replaces histidine, which is basic and polar, with tyrosine, which is neutral and polar, at codon 1974 of the CEP250 protein (p.His1974Tyr). This variant is not present in population databases (gnomAD no frequency). This variant has not been reported in the literature in individuals affected with CEP250-related conditions. Algorithms developed to predict the effect of missense changes on protein structure and function are either unavailable or do not agree on the potential impact of this missense change (SIFT: "Not Available"; PolyPhen-2: "Benign"; Align-GVGD: "Not Available"). In summary, the available evidence is currently insufficient to determine the role of this variant in disease. Therefore, it has been classified as a Variant of Uncertain Significance.